The following is an entry in ClinVar:

NM_007294.4(BRCA1):c.4814_4815insTATT (p.Leu1605fs)

Gene: BRCA1 (BRCA1 DNA repair associated; minus strand). Cytogenetic location: 17q21.31.
Variant type: Insertion.
Coding change: c.4814_4815insTATT on transcript NM_007294.4 (MANE Select); coding-DNA positions 4814 to 4815, TATT inserted.
Protein change: p.Leu1605fs; shifts the reading frame from leucine 1605.
Molecular consequence: frameshift variant. On other transcripts: non-coding transcript variant (1).
Genome position: GRCh38 VCF-style: chr17-43071099-C-CAATA. GRCh37 (hg19) VCF-style: chr17-41223116-C-CAATA.
Other names: c.4814_4815insTATT (NM_007294.3); c.4598_4599insATTT, p.Leu1534Phefs (NM_001407571.1, NM_001407894.1, NM_001407895.1 and 12 more transcripts); c.4877_4878insATTT, p.Leu1627Phefs (NM_001407581.1, NM_001407582.1); c.4874_4875insATTT, p.Leu1626Phefs (NM_001407583.1, NM_001407585.1, NM_001407587.1); c.4871_4872insATTT, p.Leu1625Phefs (NM_001407590.1, NM_001407591.1); c.4811_4812insATTT, p.Leu1605Phefs (NM_001407593.1, NM_001407594.1, NM_001407596.1 and 8 more transcripts); c.4808_4809insATTT, p.Leu1604Phefs (NM_001407610.1, NM_001407611.1, NM_001407612.1 and 17 more transcripts); c.4805_4806insATTT, p.Leu1603Phefs (NM_001407627.1, NM_001407628.1, NM_001407629.1 and 14 more transcripts); and 74 more; short protein forms L1626fs, L1605fs, L1558fs, L501fs.
Identifiers: ClinVar variation 862183 (VCV000862183.16), dbSNP rs2052403348, ClinGen allele CA916080196.

ClinVar aggregate classification (germline): Pathogenic/Likely pathogenic. Review status: criteria provided, multiple submitters, no conflicts (2 of 4 stars). 3 submissions from 3 submitters: Pathogenic (1); Likely pathogenic (2). Last evaluated 2024-06-24.

Conditions:
Hereditary breast ovarian cancer syndrome. Also called: Hereditary breast and ovarian cancer; Breast and ovarian cancer; Hereditary breast and/or ovarian cancer syndrome; Hereditary breast and ovarian cancer syndrome; Hereditary breast and ovarian cancer syndrome (HBOC); BRCA1- and BRCA2-Associated Hereditary Breast and Ovarian Cancer. Identifiers: Orphanet 145, MedGen C0677776, MeSH D061325, MONDO:0003582. Disease mechanism: loss of function.

Submissions (3):

Labcorp Genetics (formerly Invitae), Labcorp
Classification: Pathogenic for Hereditary breast ovarian cancer syndrome. Last evaluated: 2024-06-24. Review status: criteria provided, single submitter. Criteria: Invitae Variant Classification Sherloc (09022015). Collection method: clinical testing. Allele origin: germline.
Comment: This sequence change creates a premature translational stop signal (p.Leu1605Phefs*18) in the BRCA1 gene. It is expected to result in an absent or disrupted protein product. Loss-of-function variants in BRCA1 are known to be pathogenic (PMID: 20104584). This variant is not present in population databases (gnomAD no frequency). This variant has not been reported in the literature in individuals affected with BRCA1-related conditions. ClinVar contains an entry for this variant (Variation ID: 862183). For these reasons, this variant has been classified as Pathogenic.

Revvity Omics, Revvity
Classification: Likely pathogenic. Last evaluated: 2022-10-21. Review status: criteria provided, single submitter. Criteria: ACMG Guidelines, 2015. Collection method: clinical testing. Allele origin: germline.

Mayo Clinic Laboratories, Mayo Clinic
Classification: Likely pathogenic. Last evaluated: 2019-11-03. Review status: criteria provided, single submitter. Criteria: ACMG Guidelines, 2015. Collection method: clinical testing. Allele origin: germline. Observed: 1 variant allele.
Comment: PVS1, PM2

Literature cited by the submitters: PubMed 20104584 (cited by Labcorp Genetics (formerly Invitae), Labcorp).